The following is an entry in ClinVar:

NM_139276.3(STAT3):c.1693_1696del (p.Leu565fs)

Gene: STAT3 (signal transducer and activator of transcription 3; minus strand). Cytogenetic location: 17q21.2.
Variant type: Microsatellite.
Coding change: c.1693_1696del on transcript NM_139276.3 (MANE Select); coding-DNA positions 1693 to 1696, 4 bases deleted (CTGG; older notation c.1693_1696delCTGG).
Protein change: p.Leu565fs; shifts the reading frame from leucine 565.
Molecular consequence: frameshift variant.
Genome position (GRCh38, 1-based): chr17:42,323,312-42,323,315, CCAG deleted on the plus strand (CTGG on the coding strand, the reverse complement: STAT3 is on the minus strand); deleting any 4 consecutive bases within chr17:42,323,312-42,323,319 gives the same sequence; the c. name uses the placement nearest the transcript's 3' end. VCF-style (leftmost placement, unchanged base first): chr17-42323311-TCCAG-T. GRCh37 (hg19) VCF-style: chr17-40475329-TCCAG-T.
Other names: c.1693_1696del, p.Leu565fs (NM_001369520.1, NM_001384988.1, NM_001384991.1 and 10 more transcripts); c.1609_1612del, p.Leu537fs (NM_001384984.1); c.1615_1618del, p.Leu539fs (NM_001384985.1); c.1708_1711del, p.Leu570fs (NM_001384986.1, NM_001384990.1); c.1672_1675del, p.Leu558fs (NM_001384987.1); c.1597_1600del, p.Leu533fs (NM_001384989.1); c.1633_1636del, p.Leu545fs (NM_001384992.1); short protein forms L537fs, L565fs, L570fs, L533fs, L539fs, L545fs, L558fs.
Identifiers: ClinVar variation 4786967 (VCV004786967.1).

ClinVar aggregate classification (germline): Uncertain significance (1 of 4 stars; one submission).

Conditions:
STAT3 gain of function. Identifiers: MedGen C4288261.
Hyper-IgE recurrent infection syndrome 1, autosomal dominant. Also called: JOB SYNDROME; Job's Syndrome; STAT3 Hyper IgE Syndrome; Hyper-IgE recurrent infection syndrome 1; HYPER-IgE SYNDROME 1, AUTOSOMAL DOMINANT, WITH RECURRENT INFECTIONS. Identifiers: Orphanet 2314, MedGen C2936739, MONDO:0007818, OMIM 147060.

Submission:

Labcorp Genetics (formerly Invitae), Labcorp
Classification: Uncertain significance for STAT3 gain of function; Hyper-IgE recurrent infection syndrome 1, autosomal dominant. Last evaluated: 2026-01-20. Review status: criteria provided, single submitter. Criteria: Invitae Variant Classification Sherloc (09022015). Collection method: clinical testing. Allele origin: germline.
Comment: This sequence change creates a premature translational stop signal (p.Leu565Thrfs*7) in the STAT3 gene. It is expected to result in an absent or disrupted protein product. However, the current clinical and genetic evidence is not sufficient to establish whether loss-of-function variants in STAT3 cause disease. This variant is not present in population databases (gnomAD no frequency). This variant has not been reported in the literature in individuals affected with STAT3-related conditions. In summary, the available evidence is currently insufficient to determine the role of this variant in disease. Therefore, it has been classified as a Variant of Uncertain Significance.